The following is an entry in ClinVar:

ClinVar aggregate classification (germline): Pathogenic/Likely pathogenic. Review status: criteria provided, multiple submitters, no conflicts (2 of 4 stars). 2 submissions from 2 submitters: Pathogenic (1); Likely pathogenic (1). Last evaluated 2026-01-22.

Conditions:
Charcot-Marie-Tooth disease type 2. Also called: Charcot-Marie-Tooth type 2. Identifiers: Orphanet 64746, MedGen C0270914, MONDO:0018993.

Submissions (2):

Labcorp Genetics (formerly Invitae), Labcorp
Classification: Likely pathogenic for Charcot-Marie-Tooth disease type 2. Last evaluated: 2026-01-22. Review status: criteria provided, single submitter. Criteria: Invitae Variant Classification Sherloc (09022015). Collection method: clinical testing. Allele origin: germline.
Comment: This sequence change replaces threonine, which is neutral and polar, with proline, which is neutral and non-polar, at codon 528 of the LMNA protein (p.Thr528Pro). This variant is not present in population databases (gnomAD no frequency). This missense change has been observed in individual(s) with muscular dystrophy (internal data). ClinVar contains an entry for this variant (Variation ID: 500663). Invitae Evidence Modeling of protein sequence and biophysical properties (such as structural, functional, and spatial information, amino acid conservation, physicochemical variation, residue mobility, and thermodynamic stability) indicates that this missense variant is expected to disrupt LMNA protein function with a positive predictive value of 95%. This variant disrupts the p.Thr528 amino acid residue in LMNA. Other variant(s) that disrupt this residue have been determined to be pathogenic (PMID: 14684700, 20376791, 26165385). This suggests that this residue is clinically significant, and that variants that disrupt this residue are likely to be disease-causing. In summary, the currently available evidence indicates that the variant is pathogenic, but additional data are needed to prove that conclusively. Therefore, this variant has been classified as Likely Pathogenic.

Eurofins Ntd Llc (ga)
Classification: Pathogenic. Last evaluated: 2017-03-03. Review status: criteria provided, single submitter. Criteria: EGL Classification Definitions 2015. Collection method: clinical testing. Allele origin: germline. Observed: 1 variant allele, 1 heterozygote.

Literature cited by the submitters: PubMed 14684700 (cited by Labcorp Genetics (formerly Invitae), Labcorp); PubMed 20376791 (cited by Labcorp Genetics (formerly Invitae), Labcorp); PubMed 26165385 (cited by Labcorp Genetics (formerly Invitae), Labcorp).

NM_170707.4(LMNA):c.1582A>C (p.Thr528Pro)

Gene: LMNA (lamin A/C; plus strand). Cytogenetic location: 1q22.
Variant type: single nucleotide variant.
Coding change: c.1582A>C on transcript NM_170707.4 (MANE Select); coding-DNA position 1582, A replaced by C.
Protein change: p.Thr528Pro; replaces threonine 528 with proline.
Molecular consequence: missense variant.
Genome position (GRCh38, 1-based): chr1:156,137,206, A>C. VCF-style: chr1-156137206-A-C. GRCh37 (hg19) VCF-style: chr1-156106997-A-C.
Other names: c.1246A>C, p.Thr416Pro (NM_001257374.3); c.1339A>C, p.Thr447Pro (NM_001282624.2); c.1582A>C, p.Thr528Pro (NM_001282625.2, NM_001282626.2, NM_005572.4 and 1 more transcripts); short protein forms T528P, T416P, T447P.
Identifiers: ClinVar variation 500663 (VCV000500663.6), dbSNP rs1187380696, ClinGen allele CA342823494.
Genomic context (GRCh38, chr1:156,137,206, plus strand): 5'-CCCCCTACCGACCTGGTGTGGAAGGCACAGAACACCTGGGGCTGCGGGAACAGCCTGCGT[A>C]CGGCTCTCATCAACTCCACTGGGGAAGTAAGTAGGCCTGGGCCTGGCTGCTTGCTGGACG-3'
Protein context (NP_733821.1, residues 518-538): NTWGCGNSLR[Thr528Pro]ALINSTGEEV